The following is an entry in ClinVar:

ClinVar aggregate classification (germline): Uncertain significance (1 of 4 stars; one submission).

gnomAD v4.1: 1 of 1,415,418 alleles (0.000071%); highest among the groups gnomAD compares: Non-Finnish European, 0.000091%; no homozygotes.

Submission:

GeneDx
Classification: Uncertain significance. Last evaluated: 2025-01-21. Review status: criteria provided, single submitter. Criteria: GeneDx Variant Classification Process June 2021. Collection method: clinical testing. Allele origin: germline. Affected: yes.
Comment: Not observed at significant frequency in large population cohorts (gnomAD); In silico analysis supports that this missense variant has a deleterious effect on protein structure/function; Has not been previously published as pathogenic or benign to our knowledge

NM_020795.4(NLGN2):c.2336A>G (p.Asp779Gly)

Gene: NLGN2 (neuroligin 2; plus strand). Cytogenetic location: 17p13.1.
Variant type: single nucleotide variant.
Coding change: c.2336A>G on transcript NM_020795.4 (MANE Select); coding-DNA position 2336, A replaced by G.
Protein change: p.Asp779Gly; replaces aspartic acid 779 with glycine.
Molecular consequence: missense variant.
Genome position (GRCh38, 1-based): chr17:7,417,627, A>G. VCF-style: chr17-7417627-A-G. GRCh37 (hg19) VCF-style: chr17-7320946-A-G.
Other names: short protein forms D779G.
Identifiers: ClinVar variation 4070895 (VCV004070895.1).